The following is an entry in ClinVar:

ClinVar aggregate classification (germline): Uncertain significance. Review status: criteria provided, multiple submitters, no conflicts (2 of 4 stars). 6 submissions from 6 submitters: Uncertain significance (6). Last evaluated 2025-12-10.

Conditions:
Ataxia-telangiectasia syndrome (AT). Also called: Ataxia telangiectasia (A-T); Ataxia-telangiectasia, complementation group E; LOUIS-BAR SYNDROME; Cerebello-oculocutaneous telangiectasia; Immunodeficiency with ataxia telangiectasia; Ataxia-telangiectasia, complementation group D. Identifiers: Orphanet 100, MedGen C0004135, MONDO:0008840, OMIM 208900.
Hereditary cancer-predisposing syndrome. Also called: Hereditary Cancer Syndrome; Neoplastic Syndromes, Hereditary; Tumor predisposition; Hereditary neoplastic syndrome. Identifiers: Orphanet 140162, MedGen C0027672, MeSH D009386, MONDO:0015356.
Familial cancer of breast. Also called: Hereditary breast cancer; hereditary breast carcinoma; BREAST CANCER, FAMILIAL. Identifiers: Orphanet 227535, MedGen C0346153, MONDO:0016419, OMIM 114480. Disease mechanism: loss of function.

Allele frequency attached by ClinVar (database versions not stated): gnomAD exomes below 0.00001; TOPMed below 0.00001; ExAC 0.00001; gnomAD 0.00001.
gnomAD v4.1: 5 of 1,613,760 alleles (0.00031%); highest among the groups gnomAD compares: Non-Finnish European, 0.00042%; no homozygotes.

Submissions (6):

Labcorp Genetics (formerly Invitae), Labcorp
Classification: Uncertain significance for Ataxia-telangiectasia syndrome. Last evaluated: 2025-12-10. Review status: criteria provided, single submitter. Criteria: Invitae Variant Classification Sherloc (09022015). Collection method: clinical testing. Allele origin: germline.
Comment: This sequence change replaces alanine, which is neutral and non-polar, with valine, which is neutral and non-polar, at codon 1059 of the ATM protein (p.Ala1059Val). This variant is present in population databases (rs761590782, gnomAD 0.007%). This variant has not been reported in the literature in individuals affected with ATM-related conditions. ClinVar contains an entry for this variant (Variation ID: 231281). Invitae Evidence Modeling of protein sequence and biophysical properties (such as structural, functional, and spatial information, amino acid conservation, physicochemical variation, residue mobility, and thermodynamic stability) indicates that this missense variant is not expected to disrupt ATM protein function with a negative predictive value of 95%. In summary, the available evidence is currently insufficient to determine the role of this variant in disease. Therefore, it has been classified as a Variant of Uncertain Significance.

Ambry Genetics
Classification: Uncertain significance for Hereditary cancer-predisposing syndrome. Last evaluated: 2025-07-15. Review status: criteria provided, single submitter. Criteria: Ambry Variant Classification Scheme 2023. Collection method: clinical testing. Allele origin: germline.
Comment: The p.A1059V variant (also known as c.3176C>T), located in coding exon 21 of the ATM gene, results from a C to T substitution at nucleotide position 3176. The alanine at codon 1059 is replaced by valine, an amino acid with similar properties. In a study of whole-exome sequencing in patients with features of Cowden syndrome (CS) or Bannayan-Riley-Ruvalcaba syndrome (BRRS) and negative PTEN testing, this alteration was identified in 0/87 patients with CS or BRRS and 1/3476 patients from The Cancer Genome Atlas (TCGA) (Yehia L et al. PLoS Genet, 2018 04;14:e1007352). This amino acid position is well conserved in available vertebrate species. In addition, the in silico prediction for this alteration is inconclusive. Since supporting evidence is limited at this time, the clinical significance of this alteration remains unclear.

Color Diagnostics, LLC DBA Color Health
Classification: Uncertain significance for Hereditary cancer-predisposing syndrome. Last evaluated: 2023-12-06. Review status: criteria provided, single submitter. Criteria: ACMG Guidelines, 2015. Collection method: clinical testing. Allele origin: germline.
Comment: This missense variant replaces alanine with valine at codon 1059 of the ATM protein. Computational prediction suggests that this variant may not impact protein structure and function. To our knowledge, functional studies have not been reported for this variant. This variant has not been reported in individuals affected with ATM-related disorders in the literature. This variant has not been identified in the general population by the Genome Aggregation Database (gnomAD). The available evidence is insufficient to determine the role of this variant in disease conclusively. Therefore, this variant is classified as a Variant of Uncertain Significance.

GeneDx
Classification: Uncertain significance. Last evaluated: 2023-08-02. Review status: criteria provided, single submitter. Criteria: GeneDx Variant Classification Process June 2021. Collection method: clinical testing. Allele origin: germline. Affected: yes.
Comment: Not observed at significant frequency in large population cohorts (gnomAD); In silico analysis supports that this missense variant does not alter protein structure/function; Observed in an individual with kidney cancer (Yehia et al., 2018); This variant is associated with the following publications: (PMID: 29684080, 19781682)

Baylor Genetics
Classification: Uncertain significance for Familial cancer of breast. Last evaluated: 2023-07-07. Review status: criteria provided, single submitter. Criteria: ACMG Guidelines, 2015. Collection method: clinical testing. Allele origin: unknown.

Institute for Clinical Genetics, University Hospital TU Dresden, University Hospital TU Dresden
Classification: Uncertain significance. Last evaluated: 2021-11-03. Review status: criteria provided, single submitter. Criteria: ACMG Guidelines, 2015. Collection method: clinical testing. Allele origin: germline.

Literature cited by the submitters: PubMed 29684080 (cited by Ambry Genetics).

NM_000051.4(ATM):c.3176C>T (p.Ala1059Val)

Gene: ATM (ATM serine/threonine kinase; plus strand). Cytogenetic location: 11q22.3.
Variant type: single nucleotide variant.
Coding change: c.3176C>T on transcript NM_000051.4 (MANE Select); coding-DNA position 3176, C replaced by T.
Protein change: p.Ala1059Val; replaces alanine 1059 with valine.
Molecular consequence: missense variant.
Genome position (GRCh38, 1-based): chr11:108,272,744, C>T. VCF-style: chr11-108272744-C-T. GRCh37 (hg19) VCF-style: chr11-108143471-C-T.
Other names: c.3176C>T, p.Ala1059Val (NM_001351834.2); short protein forms A1059V.
Identifiers: ClinVar variation 231281 (VCV000231281.20), dbSNP rs761590782, ClinGen allele CA6265220.